The following is an entry in ClinVar:

NC_012920.1(MT-TK):m.8301A>G

Gene: MT-TK (mitochondrially encoded tRNA lysine; plus strand).
Variant type: single nucleotide variant.
Genome position: chrM-8301-A-G.
Identifiers: ClinVar variation 690065 (VCV000690065.1), dbSNP rs1603221396, ClinGen allele CA913178879.
Genomic context (GRCh38, chrMT:8,301, plus strand): 5'-TTGAAATAGGGCCCGTATTTACCCTATAGCACCCCCTCTACCCCCTCTAGAGCCCACTGT[A>G]AAGCTAACTTAGCATTAACCTTTTAAGTTAAAGATTAAGAGAACCAACACCTCTTTACAG-3'

ClinVar aggregate classification (germline): Uncertain significance (1 of 4 stars; one submission).

Conditions:
MELAS syndrome (MELAS). Also called: Juvenile myopathy, encephalopathy, lactic acidosis, stroke. Identifiers: Orphanet 550, MedGen C0162671, MONDO:0010789, OMIM 540000.

Submission:

Wong Mito Lab, Molecular and Human Genetics, Baylor College of Medicine
Classification: Uncertain significance for MELAS syndrome. Last evaluated: 2019-07-12. Review status: criteria provided, single submitter. Criteria: Modified ACMG Guidelines (Unpublished). Collection method: clinical testing. Allele origin: germline.
Comment: The NC_012920.1:m.8301A>G variant in MT-TK gene is interpreted to be a Unknown Significance variant based on the modified ACMG guidelines (unpublished). This variant meets the following evidence codes reported in the guidelines: BP6

Literature cited by the submitters: PubMed 31965079.